The following is an entry in ClinVar:

NM_033022.4(RPS24):c.47G>T (p.Arg16Leu)

Gene: RPS24 (ribosomal protein S24; plus strand). Cytogenetic location: 10q22.3.
Variant type: single nucleotide variant.
Coding change: c.47G>T on transcript NM_033022.4 (MANE Select); coding-DNA position 47, G replaced by T.
Protein change: p.Arg16Leu; replaces arginine 16 with leucine.
Molecular consequence: missense variant.
Genome position (GRCh38, 1-based): chr10:78,035,395, G>T. VCF-style: chr10-78035395-G-T. GRCh37 (hg19) VCF-style: chr10-79795153-G-T.
Other names: c.47G>T, p.Arg16Leu (NM_001026.5, NM_001142282.2, NM_001142283.2 and 2 more transcripts); short protein forms R16L.
Identifiers: ClinVar variation 2015699 (VCV002015699.4), dbSNP rs199524789, ClinGen allele CA16040513.

ClinVar aggregate classification (germline): Uncertain significance (1 of 4 stars; one submission).

Conditions:
Diamond-Blackfan anemia. Also called: Blackfan Diamond syndrome; Aregenerative anemia chronic congenital; Red cell aplasia, pure hereditary; Congenital hypoplastic anemia; Aase syndrome. Identifiers: Orphanet 124, MedGen C1260899, MeSH D029503, MONDO:0015253, HP:0004810.

Allele frequency attached by ClinVar (database versions not stated): gnomAD 0.00001.
gnomAD v4.1: 6 of 1,614,020 alleles (0.00037%); highest among the groups gnomAD compares: Non-Finnish European, 0.00042%; no homozygotes.

Submission:

Labcorp Genetics (formerly Invitae), Labcorp
Classification: Uncertain significance for Diamond-Blackfan anemia. Last evaluated: 2022-09-19. Review status: criteria provided, single submitter. Criteria: Invitae Variant Classification Sherloc (09022015). Collection method: clinical testing. Allele origin: germline.
Comment: In summary, the available evidence is currently insufficient to determine the role of this variant in disease. Therefore, it has been classified as a Variant of Uncertain Significance. Algorithms developed to predict the effect of missense changes on protein structure and function (SIFT, PolyPhen-2, Align-GVGD) all suggest that this variant is likely to be tolerated. This variant has not been reported in the literature in individuals affected with RPS24-related conditions. This variant is not present in population databases (gnomAD no frequency). This sequence change replaces arginine, which is basic and polar, with leucine, which is neutral and non-polar, at codon 16 of the RPS24 protein (p.Arg16Leu).